The following is an entry in ClinVar:

NM_002661.5(PLCG2):c.664A>C (p.Lys222Gln)

Gene: PLCG2 (phospholipase C gamma 2; plus strand). Cytogenetic location: 16q23.3.
Variant type: single nucleotide variant.
Coding change: c.664A>C on transcript NM_002661.5 (MANE Select); coding-DNA position 664, A replaced by C.
Protein change: p.Lys222Gln; replaces lysine 222 with glutamine.
Molecular consequence: missense variant.
Genome position (GRCh38, 1-based): chr16:81,880,925, A>C. VCF-style: chr16-81880925-A-C. GRCh37 (hg19) VCF-style: chr16-81914530-A-C.
Other names: c.664A>C, p.Lys222Gln (NM_001425749.1, NM_001425750.1, NM_001425751.1); short protein forms K222Q.
Identifiers: ClinVar variation 3656485 (VCV003656485.2).

ClinVar aggregate classification (germline): Uncertain significance (1 of 4 stars; one submission).

Conditions:
Familial cold autoinflammatory syndrome 3 (FCAS3). Also called: FAMILIAL ATYPICAL COLD URTICARIA; ANTIBODY DEFICIENCY AND IMMUNE DYSREGULATION, PLCG2-ASSOCIATED. Identifiers: Orphanet 300359, MedGen C3280914, MONDO:0013766, OMIM 614468.

gnomAD v4.1: 2 of 1,614,098 alleles (0.00012%); highest among the groups gnomAD compares: South Asian, 0.0022%; no homozygotes.

Submission:

Labcorp Genetics (formerly Invitae), Labcorp
Classification: Uncertain significance for Familial cold autoinflammatory syndrome 3. Last evaluated: 2024-06-13. Review status: criteria provided, single submitter. Criteria: Invitae Variant Classification Sherloc (09022015). Collection method: clinical testing. Allele origin: germline.
Comment: This sequence change replaces lysine, which is basic and polar, with glutamine, which is neutral and polar, at codon 222 of the PLCG2 protein (p.Lys222Gln). This variant is present in population databases (rs777881688, gnomAD 0.006%). This variant has not been reported in the literature in individuals affected with PLCG2-related conditions. An algorithm developed to predict the effect of missense changes on protein structure and function (PolyPhen-2) suggests that this variant is likely to be tolerated. In summary, the available evidence is currently insufficient to determine the role of this variant in disease. Therefore, it has been classified as a Variant of Uncertain Significance.